The following is an entry in ClinVar:

ClinVar aggregate classification (germline): Uncertain significance. Review status: criteria provided, multiple submitters, no conflicts (2 of 4 stars). 2 submissions from 2 submitters: Uncertain significance (2). Last evaluated 2026-07-15.

Conditions:
CEP290-related disorder. Also called: CEP290-related condition; CEP290-related disorders. Identifiers: MedGen CN239314.
Nephronophthisis. Also called: Juvenile Nephronophthisis. Identifiers: Orphanet 655, MedGen C0687120, MONDO:0019005, HP:0000090.
Joubert syndrome. Also called: Familial aplasia of the vermis; JOUBERT-BOLTSHAUSER SYNDROME. Identifiers: Orphanet 475, MedGen C5979921, MONDO:0018772.
Meckel-Gruber syndrome. Also called: Dysencephalia splachnocystica; DYSENCEPHALIA SPLANCHNOCYSTICA; GRUBER SYNDROME. Identifiers: Orphanet 564, MedGen C0265215, MONDO:0018921.

Allele frequency attached by ClinVar (database versions not stated): gnomAD exomes below 0.00001; TOPMed 0.00001; ESP Exome Variant Server 0.00017.
gnomAD v4.1: 1 of 1,513,002 alleles (0.000066%); highest among the groups gnomAD compares: Non-Finnish European, 0.000089%; no homozygotes.

Submissions (2):

PreventionGenetics, part of Exact Sciences
Classification: Uncertain significance for CEP290-related condition. Last evaluated: 2026-07-15. Review status: criteria provided, single submitter. Criteria: ACMG Guidelines, 2015. Collection method: clinical testing. Allele origin: germline.
Comment: The CEP290 c.1436T>C variant is predicted to result in the amino acid substitution p.Ile479Thr. To our knowledge, this variant has not been reported in the literature or in a large population database (gnomAD), indicating this variant is rare. At this time, the clinical significance of this variant is uncertain due to the absence of conclusive functional and genetic evidence.

Labcorp Genetics (formerly Invitae), Labcorp
Classification: Uncertain significance for Joubert syndrome; Meckel-Gruber syndrome; Nephronophthisis. Last evaluated: 2022-02-11. Review status: criteria provided, single submitter. Criteria: Invitae Variant Classification Sherloc (09022015). Collection method: clinical testing. Allele origin: germline.
Comment: This sequence change replaces isoleucine, which is neutral and non-polar, with threonine, which is neutral and polar, at codon 479 of the CEP290 protein (p.Ile479Thr). This variant is not present in population databases (gnomAD no frequency). This variant has not been reported in the literature in individuals affected with CEP290-related conditions. Algorithms developed to predict the effect of missense changes on protein structure and function are either unavailable or do not agree on the potential impact of this missense change (SIFT: "Deleterious"; PolyPhen-2: "Possibly Damaging"; Align-GVGD: "Class C0"). In summary, the available evidence is currently insufficient to determine the role of this variant in disease. Therefore, it has been classified as a Variant of Uncertain Significance.

NM_025114.4(CEP290):c.1436T>C (p.Ile479Thr)

Gene: CEP290 (centrosomal protein 290; minus strand). Cytogenetic location: 12q21.32.
Variant type: single nucleotide variant.
Coding change: c.1436T>C on transcript NM_025114.4 (MANE Select); coding-DNA position 1436, T replaced by C.
Protein change: p.Ile479Thr; replaces isoleucine 479 with threonine.
Molecular consequence: missense variant.
Genome position (GRCh38, 1-based): chr12:88,120,200, A>G on the plus strand (T>C on the coding strand, the complement: CEP290 is on the minus strand). VCF-style: chr12-88120200-A-G. GRCh37 (hg19) VCF-style: chr12-88513977-A-G.
Other names: c.1436T>C (NM_025114.3); short protein forms I479T.
Identifiers: ClinVar variation 2043743 (VCV002043743.2), dbSNP rs371088254, ClinGen allele CA241151942.
Genomic context (GRCh38, chr12:88,120,200, plus strand): 5'-TCATCAAGGAAATCACTGATCTTCAATTCAAGTTTATTGATTTCCTTTGTTAATATTTCA[A>G]TCTCTCGATCTCTTATTTTAATTTGGTTTTTACAATTCTTTATTTCAACGACAGCATCTT-3'
Protein context (NP_079390.3, residues 469-489): KNQIKIRDRE[Ile479Thr]EILTKEINKL